The following is an entry in ClinVar:

ClinVar aggregate classification (germline): Uncertain significance (1 of 4 stars; one submission).

Conditions:
Combined oxidative phosphorylation defect type 17. Also called: Combined oxidative phosphorylation deficiency 17. Identifiers: Orphanet 369913, MedGen C3809526, MONDO:0014190, OMIM 615440.

Allele frequency attached by ClinVar (database versions not stated): gnomAD 0.00001; gnomAD exomes 0.00001; ExAC 0.00008; 1000 Genomes Project 0.00060; 1000 Genomes Project 30x 0.00078.
gnomAD v4.1: 9 of 1,543,378 alleles (0.00058%); highest among the groups gnomAD compares: South Asian, 0.011%; no homozygotes.

Submission:

Labcorp Genetics (formerly Invitae), Labcorp
Classification: Uncertain significance for Combined oxidative phosphorylation defect type 17. Last evaluated: 2022-04-24. Review status: criteria provided, single submitter. Criteria: Invitae Variant Classification Sherloc (09022015). Collection method: clinical testing. Allele origin: germline.
Comment: In summary, the available evidence is currently insufficient to determine the role of this variant in disease. Therefore, it has been classified as a Variant of Uncertain Significance. Algorithms developed to predict the effect of missense changes on protein structure and function (SIFT, PolyPhen-2, Align-GVGD) all suggest that this variant is likely to be tolerated. This variant has not been reported in the literature in individuals affected with ELAC2-related conditions. The frequency data for this variant in the population databases is considered unreliable, as metrics indicate poor data quality at this position in the gnomAD database. This sequence change replaces glutamine, which is neutral and polar, with proline, which is neutral and non-polar, at codon 18 of the ELAC2 protein (p.Gln18Pro).

NM_018127.7(ELAC2):c.53A>C (p.Gln18Pro)

Gene: ELAC2 (elaC ribonuclease Z 2; minus strand). Cytogenetic location: 17p12.
Variant type: single nucleotide variant.
Coding change: c.53A>C on transcript NM_018127.7 (MANE Select); coding-DNA position 53, A replaced by C.
Protein change: p.Gln18Pro; replaces glutamine 18 with proline.
Molecular consequence: missense variant.
Genome position (GRCh38, 1-based): chr17:13,017,895, T>G on the plus strand (A>C on the coding strand, the complement: ELAC2 is on the minus strand). VCF-style: chr17-13017895-T-G. GRCh37 (hg19) VCF-style: chr17-12921212-T-G.
Other names: c.53A>C, p.Gln18Pro (NM_001165962.2, NM_173717.2); short protein forms Q18P.
Identifiers: ClinVar variation 1942690 (VCV001942690.5), dbSNP rs562733805, ClinGen allele CA8401850.